The following is an entry in ClinVar:

ClinVar aggregate classification (germline): Likely benign (1 of 4 stars; one submission).

Submission:

CeGaT Center for Human Genetics Tuebingen
Classification: Likely benign. Last evaluated: 2024-02-01. Review status: criteria provided, single submitter. Criteria: CeGaT Center For Human Genetics Tuebingen Variant Classification Criteria Version 2. Collection method: clinical testing. Allele origin: germline. Affected: yes. Observed: 1 variant allele.
Comment: PCNT: PM2:Supporting, BP4, BP7

NM_006031.6(PCNT):c.615A>G (p.Ala205=)

Gene: PCNT (pericentrin; plus strand). Cytogenetic location: 21q22.3.
Variant type: single nucleotide variant.
Coding change: c.615A>G on transcript NM_006031.6 (MANE Select); coding-DNA position 615, A replaced by G.
Protein change: p.Ala205=; no amino-acid change (alanine 205 retained).
Molecular consequence: synonymous variant.
Genome position (GRCh38, 1-based): chr21:46,334,744, A>G. VCF-style: chr21-46334744-A-G. GRCh37 (hg19) VCF-style: chr21-47754658-A-G.
Other names: c.261A>G, p.Ala87= (NM_001315529.2).
Identifiers: ClinVar variation 3024746 (VCV003024746.22), dbSNP rs2083678693, ClinGen allele CA513172924.